The following is an entry in ClinVar:

ClinVar aggregate classification (germline): Uncertain significance (1 of 4 stars; one submission).

Submission:

GeneDx
Classification: Uncertain significance. Last evaluated: 2025-07-20. Review status: criteria provided, single submitter. Criteria: GeneDx Variant Classification Process June 2021. Collection method: clinical testing. Allele origin: germline. Affected: yes.
Comment: Not observed at significant frequency in large population cohorts (gnomAD); In silico analysis supports that this missense variant has a deleterious effect on protein structure/function; Has not been previously published as pathogenic or benign to our knowledge

NM_014975.3(MAST1):c.2336C>G (p.Ser779Cys)

Genes: MAST1 (microtubule associated serine/threonine kinase 1; plus strand), LOC112543452 (Sharpr-MPRA regulatory region 6054; plus strand). Cytogenetic location: 19p13.13.
Variant type: single nucleotide variant.
Coding change: c.2336C>G on transcript NM_014975.3 (MANE Select); coding-DNA position 2336, C replaced by G.
Protein change: p.Ser779Cys; replaces serine 779 with cysteine.
Molecular consequence: missense variant.
Genome position (GRCh38, 1-based): chr19:12,867,747, C>G. VCF-style: chr19-12867747-C-G. GRCh37 (hg19) VCF-style: chr19-12978561-C-G.
Other names: short protein forms S779C.
Identifiers: ClinVar variation 4686864 (VCV004686864.1).